The following is an entry in ClinVar:

ClinVar aggregate classification (germline): Uncertain significance. Review status: criteria provided, multiple submitters, no conflicts (2 of 4 stars). 3 submissions from 3 submitters: Uncertain significance (3). Last evaluated 2026-08-21.

Conditions:
Adams-Oliver syndrome 5 (AOS5). Identifiers: Orphanet 974, MedGen C4014970, MONDO:0014459, OMIM 616028.

Allele frequency attached by ClinVar (database versions not stated): gnomAD exomes below 0.00001.
gnomAD v4.1: 3 of 1,559,036 alleles (0.00019%); highest among the groups gnomAD compares: Non-Finnish European, 0.000087%; no homozygotes.

Submissions (3):

GeneDx
Classification: Uncertain significance. Last evaluated: 2026-08-21. Review status: criteria provided, single submitter. Criteria: GeneDx Variant Classification Process June 2021. Collection method: clinical testing. Allele origin: germline.
Comment: Observed in an individual with truncus arteriosus type I and in an individual with tetralogy of Fallot in the published literature; however, the patients harbored additional variants (PMID: 40127276); Not observed at significant frequency in large population cohorts (gnomAD); In silico analysis supports that this missense variant has a deleterious effect on protein structure/function; This variant is associated with the following publications: (PMID: 40127276)

Labcorp Genetics (formerly Invitae), Labcorp
Classification: Uncertain significance for Adams-Oliver syndrome 5. Last evaluated: 2024-06-15. Review status: criteria provided, single submitter. Criteria: Invitae Variant Classification Sherloc (09022015). Collection method: clinical testing. Allele origin: germline.
Comment: This sequence change replaces arginine, which is basic and polar, with cysteine, which is neutral and slightly polar, at codon 203 of the NOTCH1 protein (p.Arg203Cys). This variant is not present in population databases (gnomAD no frequency). This variant has not been reported in the literature in individuals affected with NOTCH1-related conditions. ClinVar contains an entry for this variant (Variation ID: 1981815). Advanced modeling of protein sequence and biophysical properties (such as structural, functional, and spatial information, amino acid conservation, physicochemical variation, residue mobility, and thermodynamic stability) performed at Invitae indicates that this missense variant is not expected to disrupt NOTCH1 protein function with a negative predictive value of 95%. In summary, the available evidence is currently insufficient to determine the role of this variant in disease. Therefore, it has been classified as a Variant of Uncertain Significance.

Blueprint Genetics
Classification: Uncertain significance. Last evaluated: 2017-08-30. Review status: criteria provided, single submitter. Criteria: ACMG Guidelines, 2015. Collection method: clinical testing. Allele origin: germline.

NM_017617.5(NOTCH1):c.607C>T (p.Arg203Cys)

Gene: NOTCH1 (notch receptor 1; minus strand). Cytogenetic location: 9q34.3.
Variant type: single nucleotide variant.
Coding change: c.607C>T on transcript NM_017617.5 (MANE Select); coding-DNA position 607, C replaced by T.
Protein change: p.Arg203Cys; replaces arginine 203 with cysteine.
Molecular consequence: missense variant.
Genome position (GRCh38, 1-based): chr9:136,522,985, G>A on the plus strand (C>T on the coding strand, the complement: NOTCH1 is on the minus strand). VCF-style: chr9-136522985-G-A. GRCh37 (hg19) VCF-style: chr9-139417437-G-A.
Other names: c.607C>T (NM_017617.3); short protein forms R203C.
Identifiers: ClinVar variation 1981815 (VCV001981815.9), dbSNP rs867209548, ClinGen allele CA375569891.
Genomic context (GRCh38, chr9:136,522,985, plus strand): 5'-TGCAGGGCACGTAGGGCCGCTCGCAGTTGGGGCCAGTGTGGGTGGCGCGGCAGACGCAGC[G>A]GTAGGAGCCGACCTCGTTGTGGCAGGTGCCTCCGTGGCGGCAAAGCCCGGGCTTCTGGCC-3'
Protein context (NP_060087.3, residues 193-213): GTCHNEVGSY[Arg203Cys]CVCRATHTGP